The following is an entry in ClinVar:

ClinVar aggregate classification (germline): Pathogenic. Review status: criteria provided, multiple submitters, no conflicts (2 of 4 stars). 2 submissions from 2 submitters: Pathogenic (2). Last evaluated 2020-07-08.

Conditions:
Cerebral cavernous malformation (CCM). Also called: Cerebral cavernous hemangioma (type); Cerebral cavernous malformations; CAVERNOUS ANGIOMA, FAMILIAL; CAVERNOUS ANGIOMATOUS MALFORMATIONS; CEREBRAL CAPILLARY MALFORMATIONS; Cavernous Hemangioma of Brain. Identifiers: Orphanet 221061, MedGen C2919945, MONDO:0000820, OMIM 116860, HP:0033522.

Submissions (2):

Labcorp Genetics (formerly Invitae), Labcorp
Classification: Pathogenic for Cerebral cavernous malformation. Last evaluated: 2020-07-08. Review status: criteria provided, single submitter. Criteria: Invitae Variant Classification Sherloc (09022015). Collection method: clinical testing. Allele origin: germline.
Comment: For these reasons, this variant has been classified as Pathogenic. Loss-of-function variants in KRIT1 are known to be pathogenic (PMID: 10508515, 11222804, 12404106, 24689081). This variant has not been reported in the literature in individuals with KRIT1-related conditions. ClinVar contains an entry for this variant (Variation ID: 439853). This variant is not present in population databases (ExAC no frequency). This sequence change creates a premature translational stop signal (p.Phe645Ilefs*10) in the KRIT1 gene. It is expected to result in an absent or disrupted protein product.

ARUP Laboratories, Molecular Genetics and Genomics, ARUP Laboratories
Classification: Pathogenic. Last evaluated: 2016-11-11. Review status: criteria provided, single submitter. Criteria: ARUP Molecular Germline Variant Investigation Process. Collection method: clinical testing. Allele origin: germline.

Literature cited by the submitters: PubMed 10508515 (cited by Labcorp Genetics (formerly Invitae), Labcorp); PubMed 11222804 (cited by Labcorp Genetics (formerly Invitae), Labcorp); PubMed 12404106 (cited by Labcorp Genetics (formerly Invitae), Labcorp); PubMed 24689081 (cited by Labcorp Genetics (formerly Invitae), Labcorp).

NM_194454.3(KRIT1):c.1932dup (p.Phe645fs)

Gene: KRIT1 (KRIT1 ankyrin repeat containing; minus strand). Cytogenetic location: 7q21.2.
Variant type: Duplication.
Coding change: c.1932dup on transcript NM_194454.3 (MANE Select); coding-DNA position 1932, one base duplicated (A; older notation c.1932dupA).
Protein change: p.Phe645fs; shifts the reading frame from phenylalanine 645.
Molecular consequence: frameshift variant.
Genome position (GRCh38, 1-based): chr7:92,213,288, T duplicated on the plus strand (A on the coding strand, the reverse complement: KRIT1 is on the minus strand). VCF-style (leftmost placement, unchanged base first): chr7-92213287-A-AT. GRCh37 (hg19) VCF-style: chr7-91842601-A-AT.
Other names: c.1788dup, p.Phe597fs (NM_001013406.2, NM_001350669.1, NM_001350670.1); c.1218dup, p.Phe407fs (NM_001350671.1); c.1932dup, p.Phe645fs (NM_001350672.1, NM_001350673.1, NM_001350674.1 and 26 more transcripts); short protein forms F597fs, F407fs, F645fs.
Identifiers: ClinVar variation 439853 (VCV000439853.14), dbSNP rs1554502927, ClinGen allele CA658653783.